The following is an entry in ClinVar:

ClinVar aggregate classification (germline): Benign. Review status: criteria provided, multiple submitters, no conflicts (2 of 4 stars). 19 submissions from 17 submitters: Benign (13). 6 of the submissions do not count toward it. Last evaluated 2026-02-04.

Conditions:
Cardiovascular phenotype. Identifiers: MedGen CN230736.
Arrhythmogenic right ventricular dysplasia 8 (ARVD8). Also called: ARRHYTHMOGENIC RIGHT VENTRICULAR DYSPLASIA, FAMILIAL, 8; ARRHYTHMOGENIC RIGHT VENTRICULAR CARDIOMYOPATHY 8; Arrhythmogenic Right Ventricular Dysplasia/Cardiomyopathy 8. Identifiers: MedGen C1843896, MONDO:0011831, OMIM 607450.
Arrhythmogenic cardiomyopathy with wooly hair and keratoderma. Also called: Dilated cardiomyopathy with woolly hair and keratoderma; Arrhythmogenic cardiomyopathy with woolly hair and keratoderma; PALMOPLANTAR KERATODERMA WITH LEFT VENTRICULAR CARDIOMYOPATHY AND WOOLLY HAIR; Carvajal syndrome. Identifiers: Orphanet 65282, MedGen C1854063, MONDO:0011581, OMIM 605676.
Cardiomyopathy (CMYO). Also called: Cardiomyopathies. Identifiers: Orphanet 167848, MedGen C0878544, MONDO:0004994, HP:0001638. Inheritance: Various modes of inheritance.
Lethal acantholytic epidermolysis bullosa (EBLA). Identifiers: Orphanet 158687, MedGen C1864826, MONDO:0012323, OMIM 609638.
Woolly hair-skin fragility syndrome (WHSF). Identifiers: Orphanet 293165, MedGen C1843292, MONDO:0957307, OMIM 620415.

Allele frequency attached by ClinVar (database versions not stated): gnomAD exomes 0.05462 and 0.05545; 1000 Genomes Project 0.06090; 1000 Genomes Project 30x 0.06168; ESP Exome Variant Server 0.06665; gnomAD 0.06730 and 0.06956; TOPMed 0.06959; ExAC 0.09798.
gnomAD v4.1: 89,776 of 1,575,704 alleles (5.7%); highest among the groups gnomAD compares: African/African-American, 10%; 2,758 homozygotes.

Submissions (19):

Labcorp Genetics (formerly Invitae), Labcorp
Classification: Benign for Arrhythmogenic cardiomyopathy with wooly hair and keratoderma; Arrhythmogenic right ventricular dysplasia 8. Last evaluated: 2026-02-04. Review status: criteria provided, single submitter. Criteria: Invitae Variant Classification Sherloc (09022015). Collection method: clinical testing. Allele origin: germline.

Molecular Diagnostic Laboratory for Inherited Cardiovascular Disease, Montreal Heart Institute
Classification: Benign. Last evaluated: 2025-02-17. Review status: criteria provided, single submitter. Criteria: ACMG Guidelines, 2015. Collection method: clinical testing. Allele origin: germline. Affected: no.

Blueprint Genetics
Classification: Benign. Last evaluated: 2024-11-26. Review status: criteria provided, single submitter. Criteria: ACMG Guidelines, 2015. Collection method: clinical testing. Allele origin: germline.

All of Us Research Program, National Institutes of Health
Classification: Benign for Arrhythmogenic cardiomyopathy with wooly hair and keratoderma. Last evaluated: 2024-02-05. Review status: criteria provided, single submitter. Criteria: ACMG Guidelines, 2015. Collection method: clinical testing. Allele origin: germline. Inheritance: Autosomal dominant inheritance. Observed: 12,392 variant alleles, 11,982 heterozygotes, 410 homozygotes.
Comment: This study involves interpretation of variants in research participants for the purpose of population health screening. Participant phenotype was not available at the time of variant classification. Additional details can be found in publication PMID: 35346344, PMCID: PMC8962531

Color Diagnostics, LLC DBA Color Health
Classification: Benign for Cardiomyopathy. Last evaluated: 2018-03-15. Review status: criteria provided, single submitter. Criteria: ACMG Guidelines, 2015. Collection method: clinical testing. Allele origin: germline.

Illumina Laboratory Services, Illumina
Classification: Benign for Lethal acantholytic epidermolysis bullosa. Last evaluated: 2018-01-13. Review status: criteria provided, single submitter. Criteria: ICSL Variant Classification Criteria 13 December 2019. Collection method: clinical testing. Allele origin: germline.
Comment: This variant was observed in the ICSL laboratory as part of a predisposition screen in an ostensibly healthy population. It had not been previously curated by ICSL or reported in the Human Gene Mutation Database (HGMD: prior to June 1st, 2018), and was therefore a candidate for classification through an automated scoring system. Utilizing variant allele frequency, disease prevalence and penetrance estimates, and inheritance mode, an automated score was calculated to assess if this variant is too frequent to cause the disease. Based on the score and internal cut-off values, a variant classified as benign is not then subjected to further curation. The score for this variant resulted in a classification of benign for this disease.

Illumina Laboratory Services, Illumina
Classification: Benign for Arrhythmogenic right ventricular dysplasia 8. Last evaluated: 2018-01-13. Review status: criteria provided, single submitter. Criteria: ICSL Variant Classification Criteria 13 December 2019. Collection method: clinical testing. Allele origin: germline.
Comment: the same text as in the submission from Illumina Laboratory Services, Illumina above.

Illumina Laboratory Services, Illumina
Classification: Benign for Arrhythmogenic cardiomyopathy with wooly hair and keratoderma. Last evaluated: 2018-01-13. Review status: criteria provided, single submitter. Criteria: ICSL Variant Classification Criteria 13 December 2019. Collection method: clinical testing. Allele origin: germline.
Comment: the same text as in the submission from Illumina Laboratory Services, Illumina above.

Ambry Genetics
Classification: Benign for Cardiovascular phenotype. Last evaluated: 2015-06-12. Review status: criteria provided, single submitter. Criteria: Ambry Variant Classification Scheme 2023. Collection method: clinical testing. Allele origin: germline.

GeneDx
Classification: Benign. Last evaluated: 2015-03-03. Review status: criteria provided, single submitter. Criteria: GeneDx Variant Classification Process June 2021. Collection method: clinical testing. Allele origin: germline. Affected: yes.

Mayo Clinic Laboratories, Mayo Clinic
Classification: Benign. Last evaluated: 2014-05-08. Review status: criteria provided, single submitter. Criteria: ACMG Guidelines, 2015. Collection method: clinical testing. Allele origin: germline. Observed: 150 variant alleles.

Laboratory for Molecular Medicine, Mass General Brigham Personalized Medicine
Classification: Benign. Last evaluated: 2012-04-19. Review status: criteria provided, single submitter. Criteria: LMM Criteria. Collection method: clinical testing. Allele origin: germline. Observed: 252 variant alleles.
Comment: Tyr42Tyr in exon 1 of DSP: This variant is not expected to have clinical signifi cance because it does not alter an amino acid residue, is not located within the splice consensus sequence, and has been identified in 5% (349/6940) of European American chromosomes and 9% (334/3356) of African American chromosomes from a b road population by the NHLBI Exome Sequencing Project (. edu/EVS/; dbSNP rs36087964)

PreventionGenetics, part of Exact Sciences
Classification: Benign. Review status: criteria provided, single submitter. Criteria: ACMG Guidelines, 2015. Collection method: clinical testing. Allele origin: germline.

Cohesion Phenomics
Classification: Benign for Cardiomyopathy. Last evaluated: 2022-09-23. Review status: no assertion criteria provided. Criteria: ACMG Guidelines, 2015. Collection method: clinical testing. Allele origin: germline. Affected: yes. Not counted in ClinVar's aggregate classification.

Clinical Genetics DNA and cytogenetics Diagnostics Lab, Erasmus MC, Erasmus Medical Center
Classification: Benign. Review status: no assertion criteria provided. Collection method: clinical testing. Allele origin: germline. Affected: yes. Study: VKGL Data-share Consensus. Not counted in ClinVar's aggregate classification.

Clinical Genetics, Academic Medical Center
Classification: Benign. Review status: no assertion criteria provided. Collection method: clinical testing. Allele origin: germline. Affected: yes. Study: VKGL Data-share Consensus. Not counted in ClinVar's aggregate classification.

Diagnostic Laboratory, Department of Genetics, University Medical Center Groningen
Classification: Benign. Review status: no assertion criteria provided. Collection method: clinical testing. Allele origin: germline. Affected: yes. Study: VKGL Data-share Consensus. Not counted in ClinVar's aggregate classification.

Genome Diagnostics Laboratory, University Medical Center Utrecht
Classification: Benign. Review status: no assertion criteria provided. Collection method: clinical testing. Allele origin: germline. Affected: yes. Study: VKGL Data-share Consensus. Not counted in ClinVar's aggregate classification.

Joint Genome Diagnostic Labs from Nijmegen and Maastricht, Radboudumc and MUMC+
Classification: Benign. Review status: no assertion criteria provided. Collection method: clinical testing. Allele origin: germline. Affected: yes. Study: VKGL Data-share Consensus. Not counted in ClinVar's aggregate classification.

NM_004415.4(DSP):c.126T>C (p.Tyr42=)

Genes: DSP (desmoplakin; plus strand), DSP-AS1 (DSP antisense RNA 1; minus strand). Cytogenetic location: 6p24.3.
Variant type: single nucleotide variant.
Coding change: c.126T>C on transcript NM_004415.4 (MANE Select); coding-DNA position 126, T replaced by C.
Protein change: p.Tyr42=; no amino-acid change (tyrosine 42 retained).
Molecular consequence: synonymous variant.
Genome position (GRCh38, 1-based): chr6:7,542,041, T>C. VCF-style: chr6-7542041-T-C. GRCh37 (hg19) VCF-style: chr6-7542274-T-C.
Other names: p.Tyr42=; c.126T>C, p.Tyr42= (NM_001008844.3, NM_001319034.2).
Identifiers: ClinVar variation 44855 (VCV000044855.40), dbSNP rs36087964, ClinGen allele CA004854.